The following is an entry in ClinVar:

ClinVar aggregate classification (germline): Uncertain significance (1 of 4 stars; one submission).

Allele frequency attached by ClinVar (database versions not stated): gnomAD 0.00001; gnomAD exomes 0.00001 and 0.00002; ExAC 0.00002.
gnomAD v4.1: 10 of 1,609,410 alleles (0.00062%); highest among the groups gnomAD compares: Admixed American, 0.017%; no homozygotes.

Submission:

Labcorp Genetics (formerly Invitae), Labcorp
Classification: Uncertain significance. Last evaluated: 2022-09-19. Review status: criteria provided, single submitter. Criteria: Invitae Variant Classification Sherloc (09022015). Collection method: clinical testing. Allele origin: germline.
Comment: This variant has not been reported in the literature in individuals affected with TRIOBP-related conditions. In summary, the available evidence is currently insufficient to determine the role of this variant in disease. Therefore, it has been classified as a Variant of Uncertain Significance. This sequence change replaces cysteine, which is neutral and slightly polar, with arginine, which is basic and polar, at codon 676 of the TRIOBP protein (p.Cys676Arg). This variant is present in population databases (rs760301142, gnomAD 0.01%). Algorithms developed to predict the effect of missense changes on protein structure and function are either unavailable or do not agree on the potential impact of this missense change (SIFT: "Deleterious"; PolyPhen-2: "Benign"; Align-GVGD: "Class C0"). ClinVar contains an entry for this variant (Variation ID: 1354887).

NM_001039141.3(TRIOBP):c.2026T>C (p.Cys676Arg)

Gene: TRIOBP (TRIO and F-actin binding protein; plus strand). Cytogenetic location: 22q13.1.
Variant type: single nucleotide variant.
Coding change: c.2026T>C on transcript NM_001039141.3 (MANE Select); coding-DNA position 2026, T replaced by C.
Protein change: p.Cys676Arg; replaces cysteine 676 with arginine.
Molecular consequence: missense variant.
Genome position (GRCh38, 1-based): chr22:37,724,582, T>C. VCF-style: chr22-37724582-T-C. GRCh37 (hg19) VCF-style: chr22-38120589-T-C.
Other names: short protein forms C676R.
Identifiers: ClinVar variation 1354887 (VCV001354887.8), dbSNP rs760301142, ClinGen allele CA10223763.